The following is an entry in ClinVar:

ClinVar aggregate classification (germline): Uncertain significance. Review status: criteria provided, multiple submitters, no conflicts (2 of 4 stars). 5 submissions from 5 submitters: Uncertain significance (5). Last evaluated 2025-04-08.

Conditions:
Intellectual disability, autosomal dominant 16 (CSS4). Also called: COFFIN-SIRIS SYNDROME 4. Identifiers: Orphanet 1465, MedGen C3553249, MONDO:0013821, OMIM 614609.
Inborn genetic diseases. Identifiers: MedGen C0950123, MeSH D030342.
Rhabdoid tumor predisposition syndrome 2 (RTPS2). Identifiers: Orphanet 231108, Orphanet 69077, MedGen C2750074, MONDO:0013224, OMIM 613325.
Intellectual disability. Also called: intellectual disabilities; Intellectual functioning disability; Intellectual developmental disorder. Identifiers: MedGen C3714756, MeSH D008607, MONDO:0001071, HP:0001249.

Submissions (5):

Labcorp Genetics (formerly Invitae), Labcorp
Classification: Uncertain significance for Rhabdoid tumor predisposition syndrome 2. Last evaluated: 2025-04-08. Review status: criteria provided, single submitter. Criteria: Invitae Variant Classification Sherloc (09022015). Collection method: clinical testing. Allele origin: germline.
Comment: This sequence change replaces glutamic acid, which is acidic and polar, with lysine, which is basic and polar, at codon 1023 of the SMARCA4 protein (p.Glu1023Lys). This variant is not present in population databases (gnomAD no frequency). This missense change has been observed in individual(s) with clinical features of SMARCA4-related conditions (PMID: 37500730). ClinVar contains an entry for this variant (Variation ID: 521412). Invitae Evidence Modeling of protein sequence and biophysical properties (such as structural, functional, and spatial information, amino acid conservation, physicochemical variation, residue mobility, and thermodynamic stability) has been performed for this missense variant. However, the output from this modeling did not meet the statistical confidence thresholds required to predict the impact of this variant on SMARCA4 protein function. In summary, the available evidence is currently insufficient to determine the role of this variant in disease. Therefore, it has been classified as a Variant of Uncertain Significance.

Genome-Nilou Lab
Classification: Uncertain significance for Intellectual disability, autosomal dominant 16. Last evaluated: 2021-07-15. Review status: criteria provided, single submitter. Criteria: ACMG Guidelines, 2015. Collection method: clinical testing. Allele origin: germline. Affected: no.

Women's Health and Genetics/Laboratory Corporation of America, LabCorp
Classification: Uncertain significance. Last evaluated: 2020-01-14. Review status: criteria provided, single submitter. Criteria: LabCorp Variant Classification Summary - May 2015. Collection method: clinical testing. Allele origin: germline.
Comment: Variant summary: SMARCA4 c.3067G>A (p.Glu1023Lys) results in a conservative amino acid change located in the SNF2-related, N-terminal domain (IPR000330) of the encoded protein sequence. Three of five in-silico tools predict a benign effect of the variant on protein function. The variant was absent in 249740 control chromosomes (gnomAD). The available data on variant occurrences in the general population are insufficient to allow any conclusion about variant significance. To our knowledge, no occurrence of c.3067G>A in individuals affected with Coffin-Siris syndrome and no experimental evidence demonstrating its impact on protein function have been reported. One clinical diagnostic laboratory has submitted clinical-significance assessments for this variant to ClinVar after 2014 without evidence for independent evaluation, and classified the variant as uncertain significance. Based on the evidence outlined above, the variant was classified as uncertain significance.

Cambridge Genomics Laboratory, East Genomic Laboratory Hub, NHS Genomic Medicine Service
Classification: Uncertain significance for Intellectual disability. Last evaluated: 2020-01-13. Review status: criteria provided, single submitter. Criteria: ACGS Best Practice Guidelines for Variant Classification in Rare Disease 2020. Collection method: clinical testing. Allele origin: germline. Affected: yes. Observed: 1 variant allele.

Ambry Genetics
Classification: Uncertain significance for Inborn genetic diseases. Last evaluated: 2016-11-23. Review status: criteria provided, single submitter. Criteria: Ambry exome assertion method (8-5-2015). Collection method: clinical testing. Allele origin: germline. Affected: yes. Observed: 1 variant allele.

Literature cited by the submitters: PubMed 37500730 (cited by Labcorp Genetics (formerly Invitae), Labcorp).

NM_003072.5(SMARCA4):c.3067G>A (p.Glu1023Lys)

Gene: SMARCA4 (SWI/SNF related BAF chromatin remodeling complex subunit ATPase 4; plus strand). Cytogenetic location: 19p13.2.
Variant type: single nucleotide variant.
Coding change: c.3067G>A on transcript NM_003072.5 (MANE Select); coding-DNA position 3067, G replaced by A.
Protein change: p.Glu1023Lys; replaces glutamic acid 1023 with lysine.
Molecular consequence: missense variant. On other transcripts: non-coding transcript variant (1).
Genome position (GRCh38, 1-based): chr19:11,024,424, G>A. VCF-style: chr19-11024424-G-A. GRCh37 (hg19) VCF-style: chr19-11135100-G-A.
Other names: c.3067G>A, p.Glu1023Lys (NM_001128844.3, NM_001128845.2, NM_001128846.2 and 5 more transcripts); short protein forms E1023K.
Identifiers: ClinVar variation 521412 (VCV000521412.12), dbSNP rs1555780047, ClinGen allele CA404059076.